The following is an entry in ClinVar:

NC_000022.10:g.(?_43015779)_(43089957_?)del

Genes: A4GALT (alpha 1,4-galactosyltransferase (P1PK blood group); minus strand), ATP5MGL (ATP synthase membrane subunit g like; minus strand), CYB5R3 (cytochrome b5 reductase 3; minus strand). Cytogenetic location: 22q13.2.
Variant type: Deletion.
Identifiers: ClinVar variation 1448665 (VCV001448665.3).

ClinVar aggregate classification (germline): Uncertain significance (1 of 4 stars; one submission).

Submission:

Labcorp Genetics (formerly Invitae), Labcorp
Classification: Uncertain significance. Last evaluated: 2021-10-05. Review status: criteria provided, single submitter. Criteria: Invitae Variant Classification Sherloc (09022015). Collection method: clinical testing. Allele origin: germline.
Comment: A gross deletion of the genomic region encompassing the full coding sequence of the A4GALT gene has been identified. The current clinical and genetic evidence is not sufficient to establish whether loss-of-function variants in A4GALT cause disease. The boundaries of this event are unknown as they extend beyond the assayed region for this gene and therefore may encompass additional genes. This variant has not been reported in the literature in individuals affected with A4GALT-related conditions. In summary, the available evidence is currently insufficient to determine the role of this variant in disease. Therefore, it has been classified as a Variant of Uncertain Significance.